The following is an entry in ClinVar:

ClinVar aggregate classification (germline): Pathogenic (1 of 4 stars; one submission).

Conditions:
Gillespie syndrome (GLSP). Also called: Aniridia-cerebellar ataxia-intellectual disability syndrome; Aniridia, cerebellar ataxia, and mental deficiency. Identifiers: Orphanet 1065, MedGen C0431401, MONDO:0008795, OMIM 206700.

Submission:

Laboratory of Molecular Pathology, Fondazione IRCCS Ca' Granda Ospedale Maggiore Policlinico
Classification: Pathogenic for Gillespie syndrome. Last evaluated: 2016-11-14. Review status: criteria provided, single submitter. Criteria: Submitter's publication. Collection method: research. Allele origin: inherited. Inheritance: Autosomal recessive inheritance. Affected: yes. Observed: 1 variant allele, 1 homozygote.
Comment: The deletion, mapping in the 5' region of ITPR1 gene, abolished the splice-donor site at exon 5/intron 5 junction, causing the skipping of the exon 5 and resulting in generation of a premature STOP codon, with production of a 64-amino acids non-functional protein.

Literature cited by the submitters: PubMed 29663667.

NM_001378452.1(ITPR1):c.279+4_279+7del

Gene: ITPR1 (inositol 1,4,5-trisphosphate receptor type 1; plus strand). Cytogenetic location: 3p26.1.
Variant type: Microsatellite.
Coding change: c.279+4_279+7del on transcript NM_001378452.1 (MANE Select); bases 4 to 7 of the intron after coding-DNA position 279, 4 bases deleted (CGTA; older notation c.279+4_279+7delCGTA).
Molecular consequence: splice donor variant.
Genome position (GRCh38, 1-based): chr3:4,627,882-4,627,885, CGTA deleted; deleting any 4 consecutive bases within chr3:4,627,877-4,627,885 gives the same sequence; the c. name uses the placement nearest the transcript's 3' end. VCF-style (leftmost placement, unchanged base first): chr3-4627876-CACGT-C. GRCh37 (hg19) VCF-style: chr3-4669560-CACGT-C.
Other names: c.279+4_279+7del (NM_001099952.4, NM_001168272.2, NM_002222.7); c.278_279+2delACGT (NM_001168272.1).
Identifiers: ClinVar variation 437908 (VCV000437908.2), dbSNP rs1553654413, ClinGen allele CA658796220.